The following is an entry in ClinVar:

NM_001009999.3(KDM1A):c.773T>C (p.Leu258Ser)

Gene: KDM1A (lysine demethylase 1A; plus strand). Cytogenetic location: 1p36.12.
Variant type: single nucleotide variant.
Coding change: c.773T>C on transcript NM_001009999.3 (MANE Select); coding-DNA position 773, T replaced by C.
Protein change: p.Leu258Ser; replaces leucine 258 with serine.
Molecular consequence: missense variant.
Genome position (GRCh38, 1-based): chr1:23,053,822, T>C. VCF-style: chr1-23053822-T-C. GRCh37 (hg19) VCF-style: chr1-23380315-T-C.
Other names: c.773T>C (NM_001009999.2); c.713T>C, p.Leu238Ser (NM_001363654.2, NM_001410763.1, NM_015013.4); c.773T>C, p.Leu258Ser (NM_001410762.1); short protein forms L238S, L258S.
Identifiers: ClinVar variation 2768112 (VCV002768112.5), dbSNP rs1642744711, ClinGen allele CA338961893.

ClinVar aggregate classification (germline): Uncertain significance. Review status: criteria provided, multiple submitters, no conflicts (2 of 4 stars). 2 submissions from 2 submitters: Uncertain significance (2). Last evaluated 2025-07-02.

Conditions:
Inborn genetic diseases. Identifiers: MedGen C0950123, MeSH D030342.

Allele frequency attached by ClinVar (database versions not stated): TOPMed below 0.00001.

Submissions (2):

Ambry Genetics
Classification: Uncertain significance for Inborn genetic diseases. Last evaluated: 2025-07-02. Review status: criteria provided, single submitter. Criteria: Ambry Variant Classification Scheme 2023. Collection method: clinical testing. Allele origin: germline.

Labcorp Genetics (formerly Invitae), Labcorp
Classification: Uncertain significance. Last evaluated: 2023-10-24. Review status: criteria provided, single submitter. Criteria: Invitae Variant Classification Sherloc (09022015). Collection method: clinical testing. Allele origin: germline.
Comment: This sequence change replaces leucine, which is neutral and non-polar, with serine, which is neutral and polar, at codon 258 of the KDM1A protein (p.Leu258Ser). This variant is not present in population databases (gnomAD no frequency). This variant has not been reported in the literature in individuals affected with KDM1A-related conditions. Advanced modeling of protein sequence and biophysical properties (such as structural, functional, and spatial information, amino acid conservation, physicochemical variation, residue mobility, and thermodynamic stability) has been performed at Invitae for this missense variant, however the output from this modeling did not meet the statistical confidence thresholds required to predict the impact of this variant on KDM1A protein function. In summary, the available evidence is currently insufficient to determine the role of this variant in disease. Therefore, it has been classified as a Variant of Uncertain Significance.